The following is an entry in ClinVar:

ClinVar aggregate classification (germline): Likely pathogenic (1 of 4 stars; one submission).

Allele frequency attached by ClinVar (database versions not stated): gnomAD 0.00001.
gnomAD v4.1: 2 of 1,609,626 alleles (0.00012%); highest among the groups gnomAD compares: Non-Finnish European, 0.00017%; no homozygotes.

Submission:

Labcorp Genetics (formerly Invitae), Labcorp
Classification: Likely pathogenic. Last evaluated: 2024-02-28. Review status: criteria provided, single submitter. Criteria: Invitae Variant Classification Sherloc (09022015). Collection method: clinical testing. Allele origin: germline.
Comment: This sequence change replaces valine, which is neutral and non-polar, with methionine, which is neutral and non-polar, at codon 368 of the RNF213 protein (p.Val368Met). This variant is not present in population databases (gnomAD no frequency). This missense change has been observed in individual(s) with clinical features of RNF213-related conditions (Invitae). In at least one individual the variant was observed to be de novo. Advanced modeling of protein sequence and biophysical properties (such as structural, functional, and spatial information, amino acid conservation, physicochemical variation, residue mobility, and thermodynamic stability) performed at Invitae indicates that this missense variant is not expected to disrupt RNF213 protein function with a negative predictive value of 95%. In summary, the currently available evidence indicates that the variant is pathogenic, but additional data are needed to prove that conclusively. Therefore, this variant has been classified as Likely Pathogenic.

NM_001256071.3(RNF213):c.1102G>A (p.Val368Met)

Gene: RNF213 (ring finger protein 213; plus strand). Cytogenetic location: 17q25.3.
Variant type: single nucleotide variant.
Coding change: c.1102G>A on transcript NM_001256071.3 (MANE Select); coding-DNA position 1102, G replaced by A.
Protein change: p.Val368Met; replaces valine 368 with methionine.
Molecular consequence: missense variant.
Genome position (GRCh38, 1-based): chr17:80,289,827, G>A. VCF-style: chr17-80289827-G-A. GRCh37 (hg19) VCF-style: chr17-78263626-G-A.
Other names: c.1249G>A, p.Val417Met (NM_001410195.1, NM_020914.5); c.1102G>A, p.Val368Met (NM_020954.4); short protein forms V368M, V417M.
Identifiers: ClinVar variation 2760912 (VCV002760912.3), dbSNP rs2044626265, ClinGen allele CA401369773.
Genomic context (GRCh38, chr17:80,289,827, plus strand): 5'-AGTGCAGCTGCTGTGAAAAACGAGAAGGAGCAAAAAAACCAGGAAGCAGATGTCCAGGAA[G>A]TGAAGGCAAGGTAGGGATGCCCCCGCAGGGGAGCAAAGGAGACCCTGCCTGAGAGCCCGG-3'
Protein context (NP_001243000.2, residues 358-378): QKNQEADVQE[Val368Met]KASTLSPGGG